The following is an entry in ClinVar:

NM_017636.4(TRPM4):c.1380G>C (p.Leu460=)

Gene: TRPM4 (transient receptor potential cation channel subfamily M member 4; plus strand). Cytogenetic location: 19q13.33.
Variant type: single nucleotide variant.
Coding change: c.1380G>C on transcript NM_017636.4 (MANE Select); coding-DNA position 1380, G replaced by C.
Protein change: p.Leu460=; no amino-acid change (leucine 460 retained).
Molecular consequence: synonymous variant. On other transcripts: 5 prime UTR variant (1).
Genome position (GRCh38, 1-based): chr19:49,182,694, G>C. VCF-style: chr19-49182694-G-C. GRCh37 (hg19) VCF-style: chr19-49685951-G-C.
Other names: c.1380G>C, p.Leu460= (NM_001195227.2); c.1035G>C, p.Leu345= (NM_001321281.2); c.-174G>C (NM_001321282.2); c.858G>C, p.Leu286= (NM_001321283.2); c.318G>C, p.Leu106= (NM_001321285.2).
Identifiers: ClinVar variation 241174 (VCV000241174.23), dbSNP rs145755269, ClinGen allele CA9569184.
Genomic context (GRCh38, chr19:49,182,694, plus strand): 5'-CGTGCGCTTGCTCATTTCCCACGGCCTCAGCCTGGGCCACTTCCTGACCCCGATGCGCCT[G>C]GCCCAACTCTACAGCGCGGCGCCCTCCAACTCGCTCATCCGCAACCTTTTGGACCAGGCG-3'
Protein context (NP_060106.2, residues 450-470): SLGHFLTPMR[Leu460=]AQLYSAAPSN

ClinVar aggregate classification (germline): Likely benign. Review status: criteria provided, multiple submitters, no conflicts (2 of 4 stars). 5 submissions from 5 submitters: Likely benign (5). Last evaluated 2026-04-01.

Conditions:
Cardiovascular phenotype. Identifiers: MedGen CN230736.
Progressive familial heart block type IB (PFHB1B). Identifiers: Orphanet 871, MedGen C1970298, MONDO:0011474, OMIM 604559.

Allele frequency attached by ClinVar (database versions not stated): 1000 Genomes Project 30x 0.00016; gnomAD 0.00016; 1000 Genomes Project 0.00020; ESP Exome Variant Server 0.00046.
gnomAD v4.1: 533 of 1,614,148 alleles (0.033%); highest among the groups gnomAD compares: Admixed American, 0.098%; 1 homozygote.

Submissions (5):

CeGaT Center for Human Genetics Tuebingen
Classification: Likely benign. Last evaluated: 2026-04-01. Review status: criteria provided, single submitter. Criteria: CeGaT Center For Human Genetics Tuebingen Variant Classification Criteria Version 2. Collection method: clinical testing. Allele origin: germline. Affected: yes. Observed: 1 variant allele.
Comment: TRPM4: BP4, BP7

Labcorp Genetics (formerly Invitae), Labcorp
Classification: Likely benign for Progressive familial heart block type IB. Last evaluated: 2026-01-09. Review status: criteria provided, single submitter. Criteria: Invitae Variant Classification Sherloc (09022015). Collection method: clinical testing. Allele origin: germline.

Blueprint Genetics
Classification: Likely benign. Last evaluated: 2024-11-25. Review status: criteria provided, single submitter. Criteria: ACMG Guidelines, 2015. Collection method: clinical testing. Allele origin: germline.

GeneDx
Classification: Likely benign. Last evaluated: 2019-12-12. Review status: criteria provided, single submitter. Criteria: GeneDx Variant Classification Process June 2021. Collection method: clinical testing. Allele origin: germline. Affected: yes.

Ambry Genetics
Classification: Likely benign for Cardiovascular phenotype. Last evaluated: 2016-08-16. Review status: criteria provided, single submitter. Criteria: Ambry Variant Classification Scheme 2023. Collection method: clinical testing. Allele origin: germline.